The following is an entry in ClinVar:

ClinVar aggregate classification (germline): Conflicting classifications of pathogenicity. Review status: criteria provided, conflicting classifications (1 of 4 stars). 15 submissions from 13 submitters: Uncertain significance (3); Benign (2); Likely benign (7). 3 of the submissions do not count toward it. Last evaluated 2026-01-14.

Conditions:
Cardiomyopathy (CMYO). Also called: Cardiomyopathies. Identifiers: Orphanet 167848, MedGen C0878544, MONDO:0004994, HP:0001638. Inheritance: Various modes of inheritance.
Lethal acantholytic epidermolysis bullosa (EBLA). Identifiers: Orphanet 158687, MedGen C1864826, MONDO:0012323, OMIM 609638.
Arrhythmogenic right ventricular dysplasia 8 (ARVD8). Also called: Arrhythmogenic Right Ventricular Dysplasia/Cardiomyopathy 8; ARRHYTHMOGENIC RIGHT VENTRICULAR DYSPLASIA, FAMILIAL, 8; ARRHYTHMOGENIC RIGHT VENTRICULAR CARDIOMYOPATHY 8. Identifiers: MedGen C1843896, MONDO:0011831, OMIM 607450.
Woolly hair-skin fragility syndrome (WHSF). Identifiers: Orphanet 293165, MedGen C1843292, MONDO:0957307, OMIM 620415.
Cardiovascular phenotype. Identifiers: MedGen CN230736.
Arrhythmogenic cardiomyopathy with wooly hair and keratoderma. Also called: Carvajal syndrome; Dilated cardiomyopathy with woolly hair and keratoderma; Arrhythmogenic cardiomyopathy with woolly hair and keratoderma; PALMOPLANTAR KERATODERMA WITH LEFT VENTRICULAR CARDIOMYOPATHY AND WOOLLY HAIR. Identifiers: Orphanet 65282, MedGen C1854063, MONDO:0011581, OMIM 605676.

Allele frequency attached by ClinVar (database versions not stated): gnomAD 0.00002; gnomAD exomes 0.00003 and 0.00005; TOPMed 0.00004; ExAC 0.00007; ESP Exome Variant Server 0.00008.
gnomAD v4.1: 88 of 1,613,698 alleles (0.0055%); highest among the groups gnomAD compares: East Asian, 0.025%; no homozygotes.

Submissions (15):

Labcorp Genetics (formerly Invitae), Labcorp
Classification: Likely benign for Arrhythmogenic cardiomyopathy with wooly hair and keratoderma; Arrhythmogenic right ventricular dysplasia 8. Last evaluated: 2026-01-14. Review status: criteria provided, single submitter. Criteria: Invitae Variant Classification Sherloc (09022015). Collection method: clinical testing. Allele origin: germline.

Blueprint Genetics
Classification: Likely benign. Last evaluated: 2024-08-30. Review status: criteria provided, single submitter. Criteria: ACMG Guidelines, 2015. Collection method: clinical testing. Allele origin: germline.

Color Diagnostics, LLC DBA Color Health
Classification: Likely benign for Cardiomyopathy. Last evaluated: 2018-05-11. Review status: criteria provided, single submitter. Criteria: ACMG Guidelines, 2015. Collection method: clinical testing. Allele origin: germline.

Illumina Laboratory Services, Illumina
Classification: Uncertain significance for Arrhythmogenic right ventricular dysplasia 8. Last evaluated: 2018-01-13. Review status: criteria provided, single submitter. Criteria: ICSL Variant Classification Criteria 13 December 2019. Collection method: clinical testing. Allele origin: germline.

Illumina Laboratory Services, Illumina
Classification: Uncertain significance for Lethal acantholytic epidermolysis bullosa. Last evaluated: 2018-01-13. Review status: criteria provided, single submitter. Criteria: ICSL Variant Classification Criteria 13 December 2019. Collection method: clinical testing. Allele origin: germline.

Illumina Laboratory Services, Illumina
Classification: Uncertain significance for Arrhythmogenic cardiomyopathy with wooly hair and keratoderma. Last evaluated: 2018-01-13. Review status: criteria provided, single submitter. Criteria: ICSL Variant Classification Criteria 13 December 2019. Collection method: clinical testing. Allele origin: germline.

CHEO Genetics Diagnostic Laboratory, Children's Hospital of Eastern Ontario
Classification: Likely benign for Cardiomyopathy. Last evaluated: 2017-11-28. Review status: criteria provided, single submitter. Criteria: ACMG Guidelines, 2015. Collection method: clinical testing. Allele origin: germline.

Women's Health and Genetics/Laboratory Corporation of America, LabCorp
Classification: Benign. Last evaluated: 2016-12-05. Review status: criteria provided, single submitter. Criteria: LabCorp Variant Classification Summary - May 2015. Collection method: clinical testing. Allele origin: germline.
Comment: Variant summary: The DSP c.3303C>T (p.Tyr1101Tyr) variant causes a synonymous change involving a non-conserved nucleotide, which 5/5 splice prediction tools predict no significant impact on normal splicing and ESE finder predicts no alterations to ESE binding, although these predictions have yet to be functionally assessed. The variant of interest was observed in the large, broad control population, ExAC, with an allele frequency of 8/120362 (1/15037), which is approximately 7 times the estimated maximal expected allele frequency for a pathogenic DSP variant of 1/100000, suggesting this variant is likely a benign polymorphism. The variant of interest has been reported by multiple clinical diagnostic laboratories as "likely benign." Therefore, the variant of interest has been classified as Benign.

Ambry Genetics
Classification: Likely benign for Cardiovascular phenotype. Last evaluated: 2015-10-08. Review status: criteria provided, single submitter. Criteria: Ambry Variant Classification Scheme 2023. Collection method: clinical testing. Allele origin: germline.

Laboratory for Molecular Medicine, Mass General Brigham Personalized Medicine
Classification: Likely benign. Last evaluated: 2015-03-04. Review status: criteria provided, single submitter. Criteria: LMM Criteria. Collection method: clinical testing. Allele origin: germline. Observed: 1 variant allele.
Comment: p.Tyr1101Tyr in exon 23 of DSP: This variant is not expected to have clinical si gnificance because it does not alter an amino acid residue and is not located wi thin the splice consensus sequence. It has been identified in 2/8614 East Asian, 2/11508 Latino, and 2/16434 South Asian chromosomes by the Exome Aggregation Co nsortium (ExAC).

GeneDx
Classification: Benign. Last evaluated: 2015-03-03. Review status: criteria provided, single submitter. Criteria: GeneDx Variant Classification Process June 2021. Collection method: clinical testing. Allele origin: germline. Affected: yes.

PreventionGenetics, part of Exact Sciences
Classification: Likely benign. Review status: criteria provided, single submitter. Criteria: ACMG Guidelines, 2015. Collection method: clinical testing. Allele origin: germline.

Clinical Genetics DNA and cytogenetics Diagnostics Lab, Erasmus MC, Erasmus Medical Center
Classification: Likely benign. Review status: no assertion criteria provided. Collection method: clinical testing. Allele origin: germline. Affected: yes. Study: VKGL Data-share Consensus. Not counted in ClinVar's aggregate classification.

Genome Diagnostics Laboratory, University Medical Center Utrecht
Classification: Likely benign. Review status: no assertion criteria provided. Collection method: clinical testing. Allele origin: germline. Affected: yes. Study: VKGL Data-share Consensus. Not counted in ClinVar's aggregate classification.

Joint Genome Diagnostic Labs from Nijmegen and Maastricht, Radboudumc and MUMC+
Classification: Likely benign. Review status: no assertion criteria provided. Collection method: clinical testing. Allele origin: germline. Affected: yes. Study: VKGL Data-share Consensus. Not counted in ClinVar's aggregate classification.

NM_004415.4(DSP):c.3303C>T (p.Tyr1101=)

Gene: DSP (desmoplakin; plus strand). Cytogenetic location: 6p24.3.
Variant type: single nucleotide variant.
Coding change: c.3303C>T on transcript NM_004415.4 (MANE Select); coding-DNA position 3303, C replaced by T.
Protein change: p.Tyr1101=; no amino-acid change (tyrosine 1101 retained).
Molecular consequence: synonymous variant.
Genome position (GRCh38, 1-based): chr6:7,579,493, C>T. VCF-style: chr6-7579493-C-T. GRCh37 (hg19) VCF-style: chr6-7579726-C-T.
Other names: c.3303C>T, p.Tyr1101= (NM_001008844.3, NM_001319034.2).
Identifiers: ClinVar variation 227342 (VCV000227342.29), dbSNP rs372440854, ClinGen allele CA037736.